The following is an entry in ClinVar:

NM_012335.4(MYO1F):c.1929G>A (p.Pro643=)

Gene: MYO1F (myosin IF; minus strand). Cytogenetic location: 19p13.2.
Variant type: single nucleotide variant.
Coding change: c.1929G>A on transcript NM_012335.4 (MANE Select); coding-DNA position 1929, G replaced by A.
Protein change: p.Pro643=; no amino-acid change (proline 643 retained).
Molecular consequence: synonymous variant.
Genome position (GRCh38, 1-based): chr19:8,536,366, C>T on the plus strand (G>A on the coding strand, the complement: MYO1F is on the minus strand). VCF-style: chr19-8536366-C-T. GRCh37 (hg19) VCF-style: chr19-8601250-C-T.
Other names: c.1917G>A, p.Pro639= (NM_001348355.2).
Identifiers: ClinVar variation 3056104 (VCV003056104.2), dbSNP rs200744759, ClinGen allele CA9159060.

ClinVar aggregate classification (germline): Benign (0 of 4 stars; one submission).

Conditions:
MYO1F-related disorder. Also called: MYO1F-related condition.

Allele frequency attached by ClinVar (database versions not stated): gnomAD 0.00299; 1000 Genomes Project 0.00319; ESP Exome Variant Server 0.00344; TOPMed 0.00353; 1000 Genomes Project 30x 0.00375.
gnomAD v4.1: 881 of 1,605,826 alleles (0.055%); highest among the groups gnomAD compares: African/African-American, 1%; 6 homozygotes.

Submission:

PreventionGenetics, part of Exact Sciences
Classification: Benign for MYO1F-related condition. Last evaluated: 2019-04-09. Review status: no assertion criteria provided. Collection method: clinical testing. Allele origin: germline.
Comment: This variant is classified as benign based on ACMG/AMP sequence variant interpretation guidelines (Richards et al. 2015 PMID: 25741868, with internal and published modifications).